The following is an entry in ClinVar:

ClinVar aggregate classification (germline): Likely pathogenic. Review status: reviewed by expert panel (3 of 4 stars). 3 submissions from 3 submitters: Likely pathogenic (1). 2 of the submissions do not count toward it. Last evaluated 2026-07-21.

Conditions:
Glycogen storage disease, type II (IOPD). Also called: GLYCOGENOSIS, GENERALIZED, CARDIAC FORM; GSD II; POMPE DISEASE, INFANTILE-ONSET; GLYCOGEN STORAGE DISEASE II, INFANTILE-ONSET; ACID ALPHA-GLUCOSIDASE DEFICIENCY, INFANTILE-ONSET; GAA DEFICIENCY, INFANTILE-ONSET. Identifiers: Orphanet 365, MedGen C0017921, MONDO:0009290, OMIM 232300.

Submissions (3):

ClinGen Lysosomal Storage Disorder Variant Curation Expert Panel
Classification: Likely pathogenic for Glycogen storage disease, type II. Last evaluated: 2026-07-21. Review status: reviewed by expert panel. Criteria: clingen_lsd_acmg_specifications_v2-1. Collection method: curation. Allele origin: germline. Inheritance: Autosomal recessive inheritance.
Comment: The NM_000152.5:c.1895T>G variant in GAA is a missense variant predicted to cause substitution of leucine by proline at amino acid 632 (p.Leu632Pro). The variant was confirmed in homozygosity by molecular testing of both parents with no pseudodeficiency alleles reported (PM3_supporting) (PMID: 31510962). This variant is absent in gnomAD v4.1.0. (PM2_Supporting). Expression of the variant in COS-7 cells resulted in 0.02% relative to the mean wild type GAA activity in cell lysate and 0.83% in medium with evidence of abnormal processing from the precursor to the mature form on western blot (PS3_moderate) (PMID: 31510962). The variant is assigned to Class B or "potentially less severe" based on the classification previously published by Kroos (PMID: 18425781). The computational predictor REVEL gives a score of 0.983 which is above the threshold of 0.7, evidence that correlates with impact to GAA function (PP3). There is a ClinVar entry for this variant (Variation ID: 637961, 0 star review status) with 1 submitter as Pathogenic. In summary, this variant meets the criteria to be classified as likely pathogenic for Pompe disease based on the ACMG/AMP criteria applied, as specified by the ClinGen Lysosomal Diseases Variant Curation Expert Panel (Specifications Version 2.0): PP4_moderate, PM3_supporting, PM2_supporting, PS3_moderate, PP3 (Classification approved by the ClinGen Lysosomal Diseases Variant Curation Expert Panel on July 21, 2026)

Genomenon, Inc
Classification: Uncertain significance for Glycogen storage disease, type II. Last evaluated: 2026-07-01. Review status: criteria provided, single submitter. Criteria: Genomenon Sequence Variant Interpretation Standards - Updated. Collection method: curation. Allele origin: germline. Affected: yes. Not counted in ClinVar's aggregate classification.
Comment: GAA p.Leu632Arg (c.1895T>G) is a missense variant that changes the amino acid at codon 632 from Leucine to Arginine. This variant has been observed in at least one proband with a GAA-related disorder in the compound heterozygous and/or homozygous state (PMID:31510962). At least one functional study has demonstrated a substantial alteration in protein function relative to the wild-type (PMID:31510962). It is absent or not present at a significant frequency in gnomAD. In silico models predict that this variant is possibly or probably damaging. In conclusion, we classify GAA p.Leu632Arg (c.1895T>G) as a variant of uncertain significance.

Department of Pediatrics, Division of Medical Genetics, Faculty of Medicine Ramathibodi Hospital, Mahidol University
Classification: Pathogenic for Glycogen storage disease, type II. Last evaluated: 2019-07-10. Review status: no assertion criteria provided. Collection method: clinical testing, in vitro. Allele origin: germline, not applicable. Inheritance: Autosomal recessive inheritance. Affected: yes. Observed: 1 homozygote. Not counted in ClinVar's aggregate classification.
Comment: This sequence change replaces leucine with arginine at codon 632 of the GAA protein (p.L632R). This variant is absent at least 340 control alleles (100 alleles studied by PCR-restriction digest and 240 alleles based on our in-house whole exome database). This variant has not been reported in the literature in individuals with GAA-related disease. Algorithms developed to predict the effect of missense changes on protein structure and function (SIFT, Polyphen-2, PredictSNP2, CADD, DANN, FATHMM, and FunSeq2) all suggest that this variant is damaging/deleterious. In vitro expression analysis of c.1895T>G (p.L632R) indicates that this variant leads to approximately 99% loss of enzyme activity and prohibited secretion of the precursor form completely. Based on 3D structure available (PDB: 5NN8), the p.L632 residue is situated in helix 6 (the helix between the sixth and seventh beta strands of the (beta/alpha)8 structure of the catalytic domain and is packed against the proximal b-sheet domain. It is in a hydrophobic environment, surrounded by the side chains of p.V628, p.L636, p.A724, p.P726 and p.L744; therefore, replacing the nonpolar leucine side chain with the highly polar, charged arginine side chain is expected to disrupt the hydrophobic packing of the protein, thereby explaining the lack of enzyme activity. In summary, due to the available evidence, we interpret this variant has been classified as Pathogenic.

Literature cited by the submitters: PubMed 31510962 (cited by Genomenon, Inc and Department of Pediatrics, Division of Medical Genetics, Faculty of Medicine Ramathibodi Hospital, Mahidol University).

NM_000152.5(GAA):c.1895T>G (p.Leu632Arg)

Gene: GAA (alpha glucosidase; plus strand). Cytogenetic location: 17q25.3.
Variant type: single nucleotide variant.
Coding change: c.1895T>G on transcript NM_000152.5 (MANE Select); coding-DNA position 1895, T replaced by G.
Protein change: p.Leu632Arg; replaces leucine 632 with arginine.
Molecular consequence: missense variant.
Genome position (GRCh38, 1-based): chr17:80,112,882, T>G. VCF-style: chr17-80112882-T-G. GRCh37 (hg19) VCF-style: chr17-78086681-T-G.
Other names: NM_000152.5(GAA):c.1895T>G; p.Leu632Arg; c.1895T>G, p.Leu632Arg (NM_001079803.3, NM_001079804.3); short protein forms L632R.
Identifiers: ClinVar variation 637961 (VCV000637961.5), dbSNP rs1598585402, ClinGen allele CA401369835.